The following is an entry in ClinVar:

NM_018489.3(ASH1L):c.5369G>A (p.Cys1790Tyr)

Gene: ASH1L (ASH1 like histone lysine methyltransferase; minus strand). Cytogenetic location: 1q22.
Variant type: single nucleotide variant.
Coding change: c.5369G>A on transcript NM_018489.3 (MANE Select); coding-DNA position 5369, G replaced by A.
Protein change: p.Cys1790Tyr; replaces cysteine 1790 with tyrosine.
Molecular consequence: missense variant.
Genome position (GRCh38, 1-based): chr1:155,438,786, C>T on the plus strand (G>A on the coding strand, the complement: ASH1L is on the minus strand). VCF-style: chr1-155438786-C-T. GRCh37 (hg19) VCF-style: chr1-155408577-C-T.
Other names: c.5369G>A, p.Cys1790Tyr (NM_001366177.2); short protein forms C1790Y.
Identifiers: ClinVar variation 1805536 (VCV001805536.1), dbSNP rs952600184, ClinGen allele CA30929844.

ClinVar aggregate classification (germline): Uncertain significance (1 of 4 stars; one submission).

Conditions:
Intellectual developmental disorder, autosomal dominant 52. Also called: Intellectual disability, autosomal dominant 52; Mental retardation, autosomal dominant 52. Identifiers: MedGen C4540478, MONDO:0030918, OMIM 617796.

Allele frequency attached by ClinVar (database versions not stated): gnomAD 0.00001; gnomAD exomes 0.00002.
gnomAD v4.1: 25 of 1,614,060 alleles (0.0015%); highest among the groups gnomAD compares: Non-Finnish European, 0.0019%; no homozygotes.

Submission:

Victorian Clinical Genetics Services, Murdoch Childrens Research Institute
Classification: Uncertain significance for Intellectual developmental disorder, autosomal dominant 52. Last evaluated: 2019-08-28. Review status: criteria provided, single submitter. Criteria: ACMG Guidelines, 2015. Collection method: clinical testing. Allele origin: germline. Inheritance: Autosomal dominant inheritance.
Comment: A heterozygous missense variant was identified, NM_018489.2(ASH1L):c.5369G>A in exon 5 of 28 of the ASH1L gene. This substitution is predicted to create a major amino acid change from cysteine to tyrosine at position 1790 of the protein, NP_060959.2(ASH1L):p.(Cys1790Tyr). The cysteine at this position has low conservation (100 vertebrates, UCSC), and is not situated in a known functional domain. In silico software predicts this variant to be benign (Polyphen, SIFT, CADD, Mutation Taster). The variant is not present in the gnomAD population database. An alternative residue change at the same location has been reported in the gnomAD database at a frequency of 0.003%. The variant has not previously been reported in clinical cases. Based on information available at the time of curation, this variant has been classified as a VARIANT of UNCERTAIN SIGNIFICANCE (VUS) with LOW CLINICAL RELEVANCE.